The following is an entry in ClinVar:

NM_003722.5(TP63):c.727C>T (p.Arg243Trp)

Gene: TP63 (tumor protein p63; plus strand). Cytogenetic location: 3q28.
Variant type: single nucleotide variant.
Coding change: c.727C>T on transcript NM_003722.5 (MANE Select); coding-DNA position 727, C replaced by T.
Protein change: p.Arg243Trp; replaces arginine 243 with tryptophan.
Molecular consequence: missense variant.
Genome position (GRCh38, 1-based): chr3:189,864,379, C>T. VCF-style: chr3-189864379-C-T. GRCh37 (hg19) VCF-style: chr3-189582168-C-T.
Other names: R204W; c.727C>T, p.Arg243Trp (NM_001114978.2, NM_001114979.2, NM_001329144.2 and 1 more transcripts); c.445C>T, p.Arg149Trp (NM_001114980.2, NM_001114981.2, NM_001114982.2 and 2 more transcripts); c.190C>T, p.Arg64Trp (NM_001329146.2, NM_001329150.2); c.721C>T, p.Arg241Trp (NM_001329964.2); short protein forms R243W, R64W, R149W, R241W.
Identifiers: ClinVar variation 6527 (VCV000006527.58), dbSNP rs121908835, ClinGen allele CA118334.

ClinVar aggregate classification (germline): Pathogenic. Review status: criteria provided, multiple submitters, no conflicts (2 of 4 stars). 12 submissions from 12 submitters: Pathogenic (9). 3 of the submissions do not count toward it. Last evaluated 2026-05-01.

Conditions:
Premature ovarian failure 21 (POF21). Identifiers: MedGen C5830399, MONDO:0957216, OMIM 620311.
Orofacial cleft 8. Also called: Cleft lip with or without cleft palate, nonsyndromic, 8. Identifiers: MedGen C1851878, MONDO:0029145, OMIM 618149.
Split hand-foot malformation 4. Also called: Split-Hand/Foot Malformation Type 4 (SHFM4); Split-Hand/Foot Malformation Type 4 (SHFM4 syndrome). Identifiers: Orphanet 2440, MedGen C1854442, MONDO:0011535, OMIM 605289.
Rapp-Hodgkin syndrome (RHS). Also called: ECTODERMAL DYSPLASIA, ANHIDROTIC, WITH CLEFT LIP/PALATE; Rapp-Hodgkin ectodermal dysplasia syndrome; Isolated Cleft Lip/Cleft Palate (Orofacial Cleft 8). Identifiers: MedGen C1785148, MONDO:0007508, OMIM 129400.
Limb-mammary syndrome (LMS). Also called: Mammary hypoplasia, ectrodactyly, and other hand/foot anomalies. Identifiers: Orphanet 69085, MedGen C1863753, MONDO:0011334, OMIM 603543.
Ectrodactyly, ectodermal dysplasia, and cleft lip-palate syndrome 3. Also called: Ectrodactyly, Ectodermal Dysplasia, Clefting Syndrome; Ectrodactyly, Ectodermal Dysplasia, Cleft Lip/Palate Syndrome 3 (EEC3); EEC SYNDROME 3; Ectrodactyly, Ectodermal Dysplasia, Clefting Syndrome Type 3 (EEC3). Identifiers: Orphanet 1896, MedGen C1858562, MONDO:0011428, OMIM 604292.
ADULT syndrome. Also called: ACRO-DERMATO-UNGUAL-LACRIMAL-TOOTH SYNDROME; Acro-dermato-ungual-lacrimal-tooth (adult) syndrome; Acro-Dermo-Ungual-Lacrimal-Tooth Syndrome (ADULT Syndrome). Identifiers: Orphanet 978, MedGen C1863204, MONDO:0007072, OMIM 103285.
Ankyloblepharon-ectodermal defects-cleft lip/palate syndrome. Also called: Ankyloblepharon-ectodermal defects, cleft lip/palate; AEC SYNDROME; HAY-WELLS SYNDROME; Ankyloblepharon-Ectodermal Defects-Cleft Lip/Palate Syndrome (AEC Syndrome); Hay-Wells syndrome of ectodermal dysplasia. Identifiers: Orphanet 1071, MedGen C0406709, MONDO:0007124, OMIM 106260.
TP63-related disorder. Also called: TP63-related condition; TP63-Related Disorders. Identifiers: MedGen CN380159.
TP63-Related Spectrum Disorders.

Allele frequency attached by ClinVar (database versions not stated): gnomAD 0.00001.

Submissions (12):

PreventionGenetics, part of Exact Sciences
Classification: Pathogenic for TP63-related condition. Last evaluated: 2026-05-01. Review status: criteria provided, single submitter. Criteria: ACMG Guidelines, 2015. Collection method: clinical testing. Allele origin: germline.
Comment: The TP63 c.727C>T variant is predicted to result in the amino acid substitution p.Arg243Trp. This variant has been reported to be causative for several TP63-related disorders (see examples: Celli et al. 1999. PubMed ID: 10535733, reported as p.Arg204Trp; Avitan-Hersh et al. 2010. PubMed ID: 21078104; Berk et al. 2012. PubMed ID: 22607287; Childs et al. 2020. PubMed ID: 32476291). In addition, different variants affecting the same amino acid were reported to be pathogenic (de Mollerat et al. 2003. PubMed ID: 12525544, reported as p.R204G and p.R204L). This variant has not been reported in a large population database, indicating this variant is rare. This variant is interpreted as pathogenic.

CeGaT Center for Human Genetics Tuebingen
Classification: Pathogenic. Last evaluated: 2024-12-01. Review status: criteria provided, single submitter. Criteria: CeGaT Center For Human Genetics Tuebingen Variant Classification Criteria Version 2. Collection method: clinical testing. Allele origin: germline. Affected: yes. Observed: 3 variant alleles.
Comment: TP63: PS2, PM1, PM2, PM5, PS3:Moderate, PS4:Moderate, PP3

Fulgent Genetics
Classification: Pathogenic for ADULT syndrome; Ankyloblepharon-ectodermal defects-cleft lip/palate syndrome; Rapp-Hodgkin syndrome; Limb-mammary syndrome; Ectrodactyly, ectodermal dysplasia, and cleft lip-palate syndrome 3; Split hand-foot malformation 4; Orofacial cleft 8; Premature ovarian failure 21. Last evaluated: 2024-01-31. Review status: criteria provided, single submitter. Criteria: ACMG Guidelines, 2015. Collection method: clinical testing. Allele origin: germline.

Victorian Clinical Genetics Services, Murdoch Childrens Research Institute
Classification: Pathogenic for Ectrodactyly, ectodermal dysplasia, and cleft lip-palate syndrome 3. Last evaluated: 2023-07-16. Review status: criteria provided, single submitter. Criteria: ACMG Guidelines, 2015. Collection method: clinical testing. Allele origin: germline. Inheritance: Autosomal dominant inheritance. Affected: yes.
Comment: Based on the classification scheme VCGS_Germline_v1.3.4, this variant is classified as Pathogenic. Following criteria are met: 0103 - Dominant negative, loss of function and gain of function are known mechanisms of disease in this gene. Dominant negative is associated with ectrodactyly, ectodermal dysplasia, and cleft lip/palate syndrome 3 (MIM#604292), limb-mammary syndrome (MIM#603543) and ankyloblepharon‑ectodermal defects‑cleft lip/palate syndrome. While gain of function is associated with ADULT syndrome (MIM#103285), and loss of function is likely associated with orofacial cleft 8 (MIM#618149) (PMIDs: 20556892, 32476291, 29620206). (I) 0107 - This gene is associated with autosomal dominant disease. (I) 0115 - Variants in this gene are known to have variable expressivity. TP63-related conditions are known to have wide phenotypic variability even among members of the same family (PMIDs: 20556892, 32476291, 29620206). (I) 0200 - Variant is predicted to result in a missense amino acid change from arginine to tryptophan. (I) 0251 - This variant is heterozygous. (I) 0301 - Variant is absent from gnomAD (both v2 and v3). (SP) 0309 - An alternative amino acid change at the same position has been observed in gnomAD (v3) (2 heterozygotes, 0 homozygotes). (I) 0501 - Missense variant consistently predicted to be damaging by multiple in silico tools or highly conserved with a major amino acid change. (SP) 0600 - Variant is located in the annotated P53 DNA-binding domain (DECIPHER). (I) 0703 - Another missense variant comparable to the one identified in this case has moderate previous evidence for pathogenicity. p.(Arg243Gln) has been classified as pathogenic by several clinical laboratories in ClinVar. (SP) 0801 - This variant has strong previous evidence of pathogenicity in unrelated individuals. This variant has been classified as pathogenic by multiple clinical laboratories in ClinVar and has been observed in individuals with EEC3, SHFM, and ADULT syndrome in the literature (PMIDs: 32476291, 20556892). (SP) Legend: (SP) - Supporting pathogenic, (I) - Information, (SB) - Supporting benign

Blueprint Genetics
Classification: Pathogenic for TP63-related disorders. Last evaluated: 2023-05-03. Review status: criteria provided, single submitter. Criteria: ACMG Guidelines, 2015. Collection method: clinical testing. Allele origin: germline. Affected: yes. Observed: 2 variant alleles.

Labcorp Genetics (formerly Invitae), Labcorp
Classification: Pathogenic. Last evaluated: 2023-02-25. Review status: criteria provided, single submitter. Criteria: Invitae Variant Classification Sherloc (09022015). Collection method: clinical testing. Allele origin: germline.
Comment: This missense change has been observed in individual(s) with a TP63-related disease, including ectrodactyly-ectodermal dysplasia-cleft (EEC) syndrome and ADULT syndrome, in some of whom it was found de novo (PMID: 10535733, 18792980, 21078104, 22607287, 23355676). In at least one individual the variant was observed to be de novo. For these reasons, this variant has been classified as Pathogenic. This variant disrupts the p.Arg243 amino acid residue in TP63. Other variant(s) that disrupt this residue have been determined to be pathogenic (PMID: 12525544, 28293528, 29620206). This suggests that this residue is clinically significant, and that variants that disrupt this residue are likely to be disease-causing. Experimental studies have shown that this missense change affects TP63 function (PMID: 18626511, 23355676, 23463580). Advanced modeling of protein sequence and biophysical properties (such as structural, functional, and spatial information, amino acid conservation, physicochemical variation, residue mobility, and thermodynamic stability) performed at Invitae indicates that this missense variant is expected to disrupt TP63 protein function. ClinVar contains an entry for this variant (Variation ID: 6527). This variant is also known as p.Arg204Trp. This variant is not present in population databases (gnomAD no frequency). This sequence change replaces arginine, which is basic and polar, with tryptophan, which is neutral and slightly polar, at codon 243 of the TP63 protein (p.Arg243Trp).

3billion
Classification: Pathogenic for Rapp-Hodgkin syndrome. Last evaluated: 2022-09-01. Review status: criteria provided, single submitter. Criteria: ACMG Guidelines, 2015. Collection method: clinical testing. Allele origin: germline. Affected: yes. Observed: 1 heterozygote.
Comment: The variant is not observed in the gnomAD v2.1.1 dataset. Missense changes are a common disease-causing mechanism. In silico tool predictions suggest damaging effect of the variant on gene or gene product (REVEL: 0.95; 3Cnet: 0.99). Same nucleotide change resulting in same amino acid change has been previously reported as pathogenic/likely pathogenic with strong evidence (ClinVar ID: VCV000006527). A different missense change at the same codon (p.Arg243Gln) has been reported as pathogenic/likely pathogenic with strong evidence (ClinVar ID: VCV000006528). Therefore, this variant is classified as Pathogenic according to the recommendation of ACMG/AMP guideline.

GeneDx
Classification: Pathogenic. Last evaluated: 2022-06-13. Review status: criteria provided, single submitter. Criteria: GeneDx Variant Classification Process June 2021. Collection method: clinical testing. Allele origin: germline. Affected: yes.
Comment: Published functional studies demonstrate variant causes a complete loss of transactivation function, and prevents transcription of Hdm2, p21, Shh, and VDR proteins (Khokhar et al., 2008; Kirschner et al. 2010; Monti et al. 2013); Not observed at significant frequency in large population cohorts (gnomAD); This variant is associated with the following publications: (PMID: 10535733, 31502745, 29620206, 29802835, 29339502, 18626511, 21652629, 20543567, 18792980, 23355676, 23463580, 21078104, 22607287, 32476291, 30088137, 32881366, 28293528, 31333354, 34246755, 17224651, Savukyne_2022)

Eurofins Ntd Llc (ga)
Classification: Pathogenic. Last evaluated: 2017-05-23. Review status: criteria provided, single submitter. Criteria: EGL Classification Definitions 2015. Collection method: clinical testing. Allele origin: germline. Observed: 1 variant allele, 1 heterozygote.

OMIM
Classification: Pathogenic for ECTRODACTYLY, ECTODERMAL DYSPLASIA, AND CLEFT LIP/PALATE SYNDROME 3. Last evaluated: 2008-10-01. Review status: no assertion criteria provided. Collection method: literature only. Allele origin: unknown. Not counted in ClinVar's aggregate classification.

Diagnostic Laboratory, Department of Genetics, University Medical Center Groningen
Classification: Pathogenic. Review status: no assertion criteria provided. Collection method: clinical testing. Allele origin: germline. Affected: yes. Study: VKGL Data-share Consensus. Not counted in ClinVar's aggregate classification.

Joint Genome Diagnostic Labs from Nijmegen and Maastricht, Radboudumc and MUMC+
Classification: Pathogenic. Review status: no assertion criteria provided. Collection method: clinical testing. Allele origin: germline. Affected: yes. Study: VKGL Data-share Consensus. Not counted in ClinVar's aggregate classification.

Literature cited by the submitters: PubMed 20556892 (cited by Victorian Clinical Genetics Services, Murdoch Childrens Research Institute); PubMed 29620206 (cited by Victorian Clinical Genetics Services, Murdoch Childrens Research Institute and Labcorp Genetics (formerly Invitae), Labcorp); PubMed 32476291 (cited by Victorian Clinical Genetics Services, Murdoch Childrens Research Institute); PubMed 10535733 (cited by Labcorp Genetics (formerly Invitae), Labcorp and OMIM); PubMed 18792980 (cited by Labcorp Genetics (formerly Invitae), Labcorp and OMIM); PubMed 21078104 (cited by Labcorp Genetics (formerly Invitae), Labcorp); PubMed 22607287 (cited by Labcorp Genetics (formerly Invitae), Labcorp); PubMed 23355676 (cited by Labcorp Genetics (formerly Invitae), Labcorp); PubMed 12525544 (cited by Labcorp Genetics (formerly Invitae), Labcorp); PubMed 28293528 (cited by Labcorp Genetics (formerly Invitae), Labcorp); PubMed 18626511 (cited by Labcorp Genetics (formerly Invitae), Labcorp); PubMed 23463580 (cited by Labcorp Genetics (formerly Invitae), Labcorp).